The following is an entry in ClinVar:

NM_000301.5(PLG):c.1587T>C (p.Asn529=)

Gene: PLG (plasminogen; plus strand). Cytogenetic location: 6q26.
Variant type: single nucleotide variant.
Coding change: c.1587T>C on transcript NM_000301.5 (MANE Select); coding-DNA position 1587, T replaced by C.
Protein change: p.Asn529=; no amino-acid change (asparagine 529 retained).
Molecular consequence: synonymous variant.
Genome position (GRCh38, 1-based): chr6:160,731,893, T>C. VCF-style: chr6-160731893-T-C. GRCh37 (hg19) VCF-style: chr6-161152925-T-C.
Identifiers: ClinVar variation 4754766 (VCV004754766.1).

ClinVar aggregate classification (germline): Uncertain significance (1 of 4 stars; one submission).

gnomAD v4.1: 9 of 1,613,980 alleles (0.00056%); highest among the groups gnomAD compares: Admixed American, 0.0067%; no homozygotes.

Submission:

Labcorp Genetics (formerly Invitae), Labcorp
Classification: Uncertain significance. Last evaluated: 2025-09-10. Review status: criteria provided, single submitter. Criteria: Invitae Variant Classification Sherloc (09022015). Collection method: clinical testing. Allele origin: germline.
Comment: This sequence change affects codon 529 of the PLG mRNA. It is a 'silent' change, meaning that it does not change the encoded amino acid sequence of the PLG protein. It affects a nucleotide within the consensus splice site. This variant is present in population databases (no rsID available, gnomAD 0.006%). This variant has not been reported in the literature in individuals affected with PLG-related conditions. Algorithms developed to predict the effect of sequence changes on RNA splicing suggest that this variant is not likely to affect RNA splicing. In summary, the available evidence is currently insufficient to determine the role of this variant in disease. Therefore, it has been classified as a Variant of Uncertain Significance.